The following is an entry in ClinVar:

NM_000179.3(MSH6):c.3544A>G (p.Arg1182Gly)

Gene: MSH6 (mutS homolog 6; plus strand). Cytogenetic location: 2p16.3.
Variant type: single nucleotide variant.
Coding change: c.3544A>G on transcript NM_000179.3 (MANE Select); coding-DNA position 3544, A replaced by G.
Protein change: p.Arg1182Gly; replaces arginine 1182 with glycine.
Molecular consequence: missense variant.
Genome position (GRCh38, 1-based): chr2:47,805,015, A>G. VCF-style: chr2-47805015-A-G. GRCh37 (hg19) VCF-style: chr2-48032154-A-G.
Other names: c.3154A>G, p.Arg1052Gly (NM_001281492.2); c.2638A>G, p.Arg880Gly (NM_001281493.2, NM_001281494.2); short protein forms R1052G, R1182G, R880G.
Identifiers: ClinVar variation 1317974 (VCV001317974.3), dbSNP rs2104509747, ClinGen allele CA346760251.
Genomic context (GRCh38, chr2:47,805,015, plus strand): 5'-GCTGAAGTGTGCAGGCTCACACCAATTGATAGAGTGTTTACTAGACTTGGTGCCTCAGAC[A>G]GAATAATGTCAGGTGAGTTTTTTGTTTCCCACTTAAGTTCTCATTCAGTCATTTAGATGT-3'
Protein context (NP_000170.1, residues 1172-1192): RVFTRLGASD[Arg1182Gly]IMSGESTFFV

ClinVar aggregate classification (germline): Uncertain significance. Review status: criteria provided, multiple submitters, no conflicts (2 of 4 stars). 2 submissions from 2 submitters: Uncertain significance (2). Last evaluated 2024-02-10.

Conditions:
Hereditary cancer-predisposing syndrome. Also called: Hereditary neoplastic syndrome; Neoplastic Syndromes, Hereditary; Tumor predisposition; Hereditary Cancer Syndrome. Identifiers: Orphanet 140162, MedGen C0027672, MeSH D009386, MONDO:0015356.

Allele frequency attached by ClinVar (database versions not stated): gnomAD exomes below 0.00001.
gnomAD v4.1: 1 of 1,612,010 alleles (0.000062%); highest among the groups gnomAD compares: Non-Finnish European, 0.000085%; no homozygotes.

Submissions (2):

Ambry Genetics
Classification: Uncertain significance for Hereditary cancer-predisposing syndrome. Last evaluated: 2024-02-10. Review status: criteria provided, single submitter. Criteria: Ambry Variant Classification Scheme 2023. Collection method: clinical testing. Allele origin: germline.
Comment: The p.R1182G variant (also known as c.3544A>G), located in coding exon 6 of the MSH6 gene, results from an A to G substitution at nucleotide position 3544. The arginine at codon 1182 is replaced by glycine, an amino acid with dissimilar properties. This amino acid position is conserved. In addition, this alteration is predicted to be deleterious by in silico analysis. Based on the available evidence, the clinical significance of this alteration remains unclear.

GeneDx
Classification: Uncertain significance. Last evaluated: 2019-08-28. Review status: criteria provided, single submitter. Criteria: GeneDx Variant Classification Process June 2021. Collection method: clinical testing. Allele origin: germline. Affected: yes.
Comment: Not observed in large population cohorts (Lek 2016); In silico analysis, which includes protein predictors and evolutionary conservation, supports a deleterious effect; Has not been previously published as pathogenic or benign to our knowledge